The following is an entry in ClinVar:

NM_000188.3(HK1):c.2536C>T (p.Arg846Cys)

Gene: HK1 (hexokinase 1; plus strand). Cytogenetic location: 10q22.1.
Variant type: single nucleotide variant.
Coding change: c.2536C>T on transcript NM_000188.3 (MANE Select); coding-DNA position 2536, C replaced by T.
Protein change: p.Arg846Cys; replaces arginine 846 with cysteine.
Molecular consequence: missense variant.
Genome position (GRCh38, 1-based): chr10:69,398,755, C>T. VCF-style: chr10-69398755-C-T. GRCh37 (hg19) VCF-style: chr10-71158511-C-T.
Other names: c.2548C>T, p.Arg850Cys (NM_001322364.2, NM_001358263.1, NM_033497.3 and 1 more transcripts); c.2641C>T, p.Arg881Cys (NM_001322365.2); c.2452C>T, p.Arg818Cys (NM_001322366.1); c.2440C>T, p.Arg814Cys (NM_001322367.1); c.2533C>T, p.Arg845Cys (NM_033496.3); c.2500C>T, p.Arg834Cys (NM_033500.2); short protein forms R834C, R845C, R850C, R814C, R818C, R881C, R846C.
Identifiers: ClinVar variation 1482814 (VCV001482814.15), dbSNP rs146727978, ClinGen allele CA5532871.

ClinVar aggregate classification (germline): Uncertain significance. Review status: criteria provided, multiple submitters, no conflicts (2 of 4 stars). 3 submissions from 3 submitters: Uncertain significance (3). Last evaluated 2025-10-01.

Allele frequency attached by ClinVar (database versions not stated): ExAC 0.00005; ESP Exome Variant Server 0.00015.
gnomAD v4.1: 89 of 1,614,066 alleles (0.0055%); highest among the groups gnomAD compares: Non-Finnish European, 0.0069%; no homozygotes.

Submissions (3):

CeGaT Center for Human Genetics Tuebingen
Classification: Uncertain significance. Last evaluated: 2025-10-01. Review status: criteria provided, single submitter. Criteria: CeGaT Center For Human Genetics Tuebingen Variant Classification Criteria Version 2. Collection method: clinical testing. Allele origin: germline. Affected: yes. Observed: 2 variant alleles.
Comment: HK1: PM2, PP3

Labcorp Genetics (formerly Invitae), Labcorp
Classification: Uncertain significance. Last evaluated: 2025-09-10. Review status: criteria provided, single submitter. Criteria: Invitae Variant Classification Sherloc (09022015). Collection method: clinical testing. Allele origin: germline.
Comment: This sequence change replaces arginine, which is basic and polar, with cysteine, which is neutral and slightly polar, at codon 846 of the HK1 protein (p.Arg846Cys). This variant is present in population databases (rs146727978, gnomAD 0.006%). This variant has not been reported in the literature in individuals affected with HK1-related conditions. ClinVar contains an entry for this variant (Variation ID: 1482814). Invitae Evidence Modeling of protein sequence and biophysical properties (such as structural, functional, and spatial information, amino acid conservation, physicochemical variation, residue mobility, and thermodynamic stability) has been performed for this missense variant. However, the output from this modeling did not meet the statistical confidence thresholds required to predict the impact of this variant on HK1 protein function. In summary, the available evidence is currently insufficient to determine the role of this variant in disease. Therefore, it has been classified as a Variant of Uncertain Significance.

Blueprint Genetics
Classification: Uncertain significance. Last evaluated: 2020-10-28. Review status: criteria provided, single submitter. Criteria: ACMG Guidelines, 2015. Collection method: clinical testing. Allele origin: germline.